The following is an entry in ClinVar:

NM_006941.4(SOX10):c.356G>A (p.Arg119His)

Genes: POLR2F (RNA polymerase II, I and III subunit F; plus strand), SOX10 (SRY-box transcription factor 10; minus strand). Cytogenetic location: 22q13.1.
Variant type: single nucleotide variant.
Coding change: c.356G>A on transcript NM_006941.4 (MANE Select); coding-DNA position 356, G replaced by A.
Protein change: p.Arg119His; replaces arginine 119 with histidine.
Molecular consequence: missense variant. On other transcripts: intron variant (3).
Genome position (GRCh38, 1-based): chr22:37,983,429, C>T on the plus strand (G>A on the coding strand, the complement: SOX10 is on the minus strand). VCF-style: chr22-37983429-C-T. GRCh37 (hg19) VCF-style: chr22-38379436-C-T.
Other names: c.*38+11119C>T (NM_001363825.1); c.294-2725C>T (NM_001301130.2); c.293+16259C>T (NM_001301131.2); short protein forms R119H.
Identifiers: ClinVar variation 2693763 (VCV002693763.4), dbSNP rs2145777024, ClinGen allele CA411500418.

ClinVar aggregate classification (germline): Uncertain significance. Review status: criteria provided, multiple submitters, no conflicts (2 of 4 stars). 2 submissions from 2 submitters: Uncertain significance (2). Last evaluated 2023-09-21.

Submissions (2):

Blueprint Genetics
Classification: Uncertain significance. Last evaluated: 2023-09-21. Review status: criteria provided, single submitter. Criteria: ACMG Guidelines, 2015. Collection method: clinical testing. Allele origin: germline.

Labcorp Genetics (formerly Invitae), Labcorp
Classification: Uncertain significance. Last evaluated: 2023-06-06. Review status: criteria provided, single submitter. Criteria: Invitae Variant Classification Sherloc (09022015). Collection method: clinical testing. Allele origin: germline.
Comment: In summary, the available evidence is currently insufficient to determine the role of this variant in disease. Therefore, it has been classified as a Variant of Uncertain Significance. This variant disrupts the p.Arg119 amino acid residue in SOX10. Other variant(s) that disrupt this residue have been determined to be pathogenic (PMID: 33865100). This suggests that this residue is clinically significant, and that variants that disrupt this residue are likely to be disease-causing. Advanced modeling of protein sequence and biophysical properties (such as structural, functional, and spatial information, amino acid conservation, physicochemical variation, residue mobility, and thermodynamic stability) performed at Invitae indicates that this missense variant is expected to disrupt SOX10 protein function. This variant has not been reported in the literature in individuals affected with SOX10-related conditions. This variant is not present in population databases (gnomAD no frequency). This sequence change replaces arginine, which is basic and polar, with histidine, which is basic and polar, at codon 119 of the SOX10 protein (p.Arg119His).

Literature cited by the submitters: PubMed 33865100 (cited by Labcorp Genetics (formerly Invitae), Labcorp).